The following is an entry in ClinVar:

ClinVar aggregate classification (germline): Uncertain significance (1 of 4 stars; one submission).

Submission:

GeneDx
Classification: Uncertain significance. Last evaluated: 2024-05-01. Review status: criteria provided, single submitter. Criteria: GeneDx Variant Classification Process June 2021. Collection method: clinical testing. Allele origin: germline.
Comment: Not observed at significant frequency in large population cohorts (gnomAD); In silico analysis supports that this missense variant has a deleterious effect on protein structure/function; Has not been previously published as pathogenic or benign to our knowledge

NM_014159.7(SETD2):c.2105T>G (p.Val702Gly)

Gene: SETD2 (SET domain containing 2, histone lysine methyltransferase; minus strand). Cytogenetic location: 3p21.31.
Variant type: single nucleotide variant.
Coding change: c.2105T>G on transcript NM_014159.7 (MANE Select); coding-DNA position 2105, T replaced by G.
Protein change: p.Val702Gly; replaces valine 702 with glycine.
Molecular consequence: missense variant. On other transcripts: non-coding transcript variant (1).
Genome position (GRCh38, 1-based): chr3:47,122,531, A>C on the plus strand (T>G on the coding strand, the complement: SETD2 is on the minus strand). VCF-style: chr3-47122531-A-C. GRCh37 (hg19) VCF-style: chr3-47164021-A-C.
Other names: c.1973T>G, p.Val658Gly (NM_001349370.3); short protein forms V658G, V702G.
Identifiers: ClinVar variation 2579809 (VCV002579809.2), dbSNP rs2106680870, ClinGen allele CA352527856.